The following is an entry in ClinVar:

NM_030962.4(SBF2):c.610C>T (p.Gln204Ter)

Gene: SBF2 (SET binding factor 2; minus strand). Cytogenetic location: 11p15.4.
Variant type: single nucleotide variant.
Coding change: c.610C>T on transcript NM_030962.4 (MANE Select); coding-DNA position 610, C replaced by T.
Protein change: p.Gln204Ter; replaces glutamine 204 with a stop codon.
Molecular consequence: nonsense.
Genome position (GRCh38, 1-based): chr11:10,028,461, G>A on the plus strand (C>T on the coding strand, the complement: SBF2 is on the minus strand). VCF-style: chr11-10028461-G-A. GRCh37 (hg19) VCF-style: chr11-10050008-G-A.
Other names: c.610C>T, p.Gln204Ter (NM_001386339.1, NM_001386342.1); short protein forms Q204*.
Identifiers: ClinVar variation 2063142 (VCV002063142.4), dbSNP rs141133392, ClinGen allele CA217677691.

ClinVar aggregate classification (germline): Pathogenic (1 of 4 stars; one submission).

Conditions:
Charcot-Marie-Tooth disease type 4. Also called: Charcot-Marie-Tooth, Type 4; Charcot-Marie-Tooth disease, type IV. Identifiers: Orphanet 64749, MedGen C4082197, MONDO:0018995.

Allele frequency attached by ClinVar (database versions not stated): gnomAD exomes 0.00001; ESP Exome Variant Server 0.00008.
gnomAD v4.1: 4 of 1,605,998 alleles (0.00025%); highest among the groups gnomAD compares: Non-Finnish European, 0.00034%; no homozygotes.

Submission:

Labcorp Genetics (formerly Invitae), Labcorp
Classification: Pathogenic for Charcot-Marie-Tooth disease type 4. Last evaluated: 2022-05-05. Review status: criteria provided, single submitter. Criteria: Invitae Variant Classification Sherloc (09022015). Collection method: clinical testing. Allele origin: germline.
Comment: This variant has not been reported in the literature in individuals affected with SBF2-related conditions. This variant is not present in population databases (gnomAD no frequency). This sequence change creates a premature translational stop signal (p.Gln204*) in the SBF2 gene. It is expected to result in an absent or disrupted protein product. Loss-of-function variants in SBF2 are known to be pathogenic (PMID: 12687498, 25873783). Algorithms developed to predict the effect of sequence changes on RNA splicing suggest that this variant may disrupt the consensus splice site. For these reasons, this variant has been classified as Pathogenic.

Literature cited by the submitters: PubMed 12687498; PubMed 25873783.